The following is an entry in ClinVar:

NM_006164.5(NFE2L2):c.1666C>A (p.Gln556Lys)

Gene: NFE2L2 (NFE2 like bZIP transcription factor 2; minus strand). Cytogenetic location: 2q31.2.
Variant type: single nucleotide variant.
Coding change: c.1666C>A on transcript NM_006164.5 (MANE Select); coding-DNA position 1666, C replaced by A.
Protein change: p.Gln556Lys; replaces glutamine 556 with lysine.
Molecular consequence: missense variant.
Genome position (GRCh38, 1-based): chr2:177,230,937, G>T on the plus strand (C>A on the coding strand, the complement: NFE2L2 is on the minus strand). VCF-style: chr2-177230937-G-T. GRCh37 (hg19) VCF-style: chr2-178095665-G-T.
Other names: c.1618C>A, p.Gln540Lys (NM_001145412.3, NM_001313900.1, NM_001313901.1); c.1597C>A, p.Gln533Lys (NM_001145413.3); c.1576C>A, p.Gln526Lys (NM_001313902.2); c.1447C>A, p.Gln483Lys (NM_001313903.2); c.1366C>A, p.Gln456Lys (NM_001313904.1); short protein forms Q456K, Q483K, Q526K, Q533K, Q540K, Q556K.
Identifiers: ClinVar variation 1677316 (VCV001677316.7), dbSNP rs777361176, ClinGen allele CA1979668.

ClinVar aggregate classification (germline): Uncertain significance. Review status: criteria provided, multiple submitters, no conflicts (2 of 4 stars). 2 submissions from 2 submitters: Uncertain significance (2). Last evaluated 2025-10-23.

Allele frequency attached by ClinVar (database versions not stated): TOPMed 0.00001; gnomAD exomes 0.00001; gnomAD 0.00001; ExAC 0.00002.
gnomAD v4.1: 5 of 1,612,860 alleles (0.00031%); highest among the groups gnomAD compares: African/African-American, 0.0027%; no homozygotes.

Submissions (2):

Labcorp Genetics (formerly Invitae), Labcorp
Classification: Uncertain significance. Last evaluated: 2025-10-23. Review status: criteria provided, single submitter. Criteria: Invitae Variant Classification Sherloc (09022015). Collection method: clinical testing. Allele origin: germline.
Comment: This sequence change replaces glutamine, which is neutral and polar, with lysine, which is basic and polar, at codon 556 of the NFE2L2 protein (p.Gln556Lys). This variant is present in population databases (rs777361176, gnomAD 0.008%). This variant has not been reported in the literature in individuals affected with NFE2L2-related conditions. ClinVar contains an entry for this variant (Variation ID: 1677316). Invitae Evidence Modeling of protein sequence and biophysical properties (such as structural, functional, and spatial information, amino acid conservation, physicochemical variation, residue mobility, and thermodynamic stability) indicates that this missense variant is not expected to disrupt NFE2L2 protein function with a negative predictive value of 80%. In summary, the available evidence is currently insufficient to determine the role of this variant in disease. Therefore, it has been classified as a Variant of Uncertain Significance.

AiLife Diagnostics
Classification: Uncertain significance. Last evaluated: 2021-06-30. Review status: criteria provided, single submitter. Criteria: ACMG Guidelines, 2015. Collection method: clinical testing. Allele origin: germline. Affected: yes. Observed: 1 variant allele.